The following is an entry in ClinVar:

ClinVar aggregate classification (germline): Conflicting classifications of pathogenicity. Review status: criteria provided, conflicting classifications (1 of 4 stars). 2 submissions from 2 submitters: Likely pathogenic (1); Uncertain significance (1). Last evaluated 2025-10-27.

Conditions:
Neurodevelopmental disorder with dysmorphic facies and distal limb anomalies. Identifiers: Orphanet 686482, MedGen C4540327, MONDO:0060596, OMIM 617755.

gnomAD v4.1: 1 of 1,613,800 alleles (0.000062%); highest among the groups gnomAD compares: Non-Finnish European, 0.000085%; no homozygotes.

Submissions (2):

Laboratorio de Genetica e Diagnostico Molecular, Hospital Israelita Albert Einstein
Classification: Uncertain significance for Neurodevelopmental disorder with dysmorphic facies and distal limb anomalies. Last evaluated: 2025-10-27. Review status: criteria provided, single submitter. Criteria: ACMG Guidelines, 2015. Collection method: clinical testing. Allele origin: germline. Affected: yes.
Comment: ACMG classification criteria: PM2 supporting, PP2 supporting, BP4 supporting

Mendelics
Classification: Likely pathogenic for Neurodevelopmental disorder with dysmorphic facies and distal limb anomalies. Last evaluated: 2024-12-15. Review status: criteria provided, single submitter. Criteria: ACMG Guidelines, 2015. Collection method: clinical testing. Allele origin: de novo. Inheritance: Autosomal dominant inheritance. Affected: yes.

NM_182641.4(BPTF):c.5738A>C (p.Glu1913Ala)

Gene: BPTF (bromodomain PHD finger transcription factor; plus strand). Cytogenetic location: 17q24.2.
Variant type: single nucleotide variant.
Coding change: c.5738A>C on transcript NM_182641.4 (MANE Select); coding-DNA position 5738, A replaced by C.
Protein change: p.Glu1913Ala; replaces glutamic acid 1913 with alanine.
Molecular consequence: missense variant.
Genome position (GRCh38, 1-based): chr17:67,924,576, A>C. VCF-style: chr17-67924576-A-C. GRCh37 (hg19) VCF-style: chr17-65920692-A-C.
Other names: c.6116A>C, p.Glu2039Ala (NM_004459.7); short protein forms E1913A, E2039A.
Identifiers: ClinVar variation 3390859 (VCV003390859.2).
Genomic context (GRCh38, chr17:67,924,576, plus strand): 5'-TTCTGATAAGTTTCTCCTTTTTTTCCTGCAGAGTGGAGAAAGAAAAGGCACAAGCAGTTG[A>C]GCAACAGGCTAAGGTTAGTGAACAGAAGAAGGCAGAGGACATCAAGGCCCAAATGGAGGC-3'
Protein context (NP_872579.2, residues 1903-1923): RVEKEKAQAV[Glu1913Ala]QQAKKRLEQQ